The following is an entry in ClinVar:

NM_004341.5(CAD):c.6070C>T (p.Arg2024Trp)

Gene: CAD (carbamoyl-phosphate synthetase 2, aspartate transcarbamylase, and dihydroorotase; plus strand). Cytogenetic location: 2p23.3.
Variant type: single nucleotide variant.
Coding change: c.6070C>T on transcript NM_004341.5 (MANE Select); coding-DNA position 6070, C replaced by T.
Protein change: p.Arg2024Trp; replaces arginine 2024 with tryptophan.
Molecular consequence: missense variant.
Genome position (GRCh38, 1-based): chr2:27,242,097, C>T. VCF-style: chr2-27242097-C-T. GRCh37 (hg19) VCF-style: chr2-27464965-C-T.
Other names: c.5881C>T, p.Arg1961Trp (NM_001306079.2); c.6070C>T (NM_004341.3); short protein forms R2024W, R1961W.
Identifiers: ClinVar variation 1349986 (VCV001349986.7), dbSNP rs773337965, ClinGen allele CA1574095.

ClinVar aggregate classification (germline): Uncertain significance. Review status: criteria provided, multiple submitters, no conflicts (2 of 4 stars). 3 submissions from 3 submitters: Uncertain significance (3). Last evaluated 2025-08-29.

Conditions:
Developmental and epileptic encephalopathy, 50 (DEE50). Also called: Epileptic encephalopathy, early infantile, 50. Identifiers: Orphanet 448010, MedGen C4225320, MONDO:0014647, OMIM 616457.

Allele frequency attached by ClinVar (database versions not stated): ExAC 0.00001; gnomAD 0.00001; gnomAD exomes 0.00001; TOPMed 0.00002.
gnomAD v4.1: 9 of 1,612,994 alleles (0.00056%); highest among the groups gnomAD compares: Admixed American, 0.0033%; no homozygotes.

Submissions (3):

GeneDx
Classification: Uncertain significance. Last evaluated: 2025-08-29. Review status: criteria provided, single submitter. Criteria: GeneDx Variant Classification Process June 2021. Collection method: clinical testing. Allele origin: germline.
Comment: Has not been previously published as pathogenic or benign to our knowledge; In silico analysis supports that this missense variant has a deleterious effect on protein structure/function; This variant is associated with the following publications: (PMID: 25678555, 27265852)

3billion
Classification: Uncertain significance for Developmental and epileptic encephalopathy, 50. Last evaluated: 2025-06-12. Review status: criteria provided, single submitter. Criteria: ACMG Guidelines, 2015. Collection method: clinical testing. Allele origin: germline. Affected: yes.
Comment: The variant is observed at an extremely low frequency in the gnomAD v4.1.0 dataset (total allele frequency: <0.001%). Predicted Consequence/Location: Missense variant In silico tool predictions suggest damaging effect of the variant on gene or gene product [REVEL: 0.87 (>=0.6, sensitivity 0.68 and specificity 0.92); 3Cnet: 0.22 (> 0.75, sensitivity 0.96 and precision 0.92)]. A different missense change at the same codon (p.Arg2024Gln) has been reported to be associated with CAD-related disorder (ClinVar ID: VCV000203466 /PMID: 25678555). However the evidence of pathogenicity is insufficient at this time. Therefore, this variant is classified as VUS according to the recommendation of ACMG/AMP guideline.

Labcorp Genetics (formerly Invitae), Labcorp
Classification: Uncertain significance. Last evaluated: 2024-05-15. Review status: criteria provided, single submitter. Criteria: Invitae Variant Classification Sherloc (09022015). Collection method: clinical testing. Allele origin: germline.
Comment: This sequence change replaces arginine, which is basic and polar, with tryptophan, which is neutral and slightly polar, at codon 2024 of the CAD protein (p.Arg2024Trp). This variant is present in population databases (rs773337965, gnomAD 0.006%). This variant has not been reported in the literature in individuals affected with CAD-related conditions. ClinVar contains an entry for this variant (Variation ID: 1349986). An algorithm developed to predict the effect of missense changes on protein structure and function (PolyPhen-2) suggests that this variant is likely to be disruptive. In summary, the available evidence is currently insufficient to determine the role of this variant in disease. Therefore, it has been classified as a Variant of Uncertain Significance.

Literature cited by the submitters: PubMed 25678555 (cited by 3billion).